The following is an entry in ClinVar:

NM_001114753.3(ENG):c.1076dup (p.Gln360fs)

Gene: ENG (endoglin; minus strand). Cytogenetic location: 9q34.11.
Variant type: Duplication.
Coding change: c.1076dup on transcript NM_001114753.3 (MANE Select); coding-DNA position 1076, one base duplicated (T; older notation c.1076dupT).
Protein change: p.Gln360fs; shifts the reading frame from glutamine 360.
Molecular consequence: frameshift variant.
Genome position (GRCh38, 1-based): chr9:127,824,362, A duplicated on the plus strand (T on the coding strand, the reverse complement: ENG is on the minus strand). VCF-style (leftmost placement, unchanged base first): chr9-127824361-G-GA. GRCh37 (hg19) VCF-style: chr9-130586640-G-GA.
Other names: c.1076dup, p.Gln360Profs (NM_000118.4, NM_001406715.1); c.530dup, p.Gln178fs (NM_001278138.2); short protein forms Q178fs, Q360fs.
Identifiers: ClinVar variation 1357796 (VCV001357796.8), dbSNP rs2131885883, ClinGen allele CA2573143987.

ClinVar aggregate classification (germline): Pathogenic (1 of 4 stars; one submission).

Conditions:
Hereditary hemorrhagic telangiectasia (HHT). Also called: ORW DISEASE; Osler Weber Rendu syndrome; OSLER-RENDU-WEBER DISEASE; Osler hemorrhagic telangiectasia syndrome. Identifiers: Orphanet 774, MedGen C0039445, MONDO:0019180. Disease mechanism: loss of function.

Submission:

Labcorp Genetics (formerly Invitae), Labcorp
Classification: Pathogenic for Hereditary hemorrhagic telangiectasia. Last evaluated: 2021-06-10. Review status: criteria provided, single submitter. Criteria: Invitae Variant Classification Sherloc (09022015). Collection method: clinical testing. Allele origin: germline.
Comment: For these reasons, this variant has been classified as Pathogenic. This variant has not been reported in the literature in individuals with ENG-related conditions. This variant is not present in population databases (ExAC no frequency). This sequence change creates a premature translational stop signal (p.Gln360Profs*36) in the ENG gene. It is expected to result in an absent or disrupted protein product. Loss-of-function variants in ENG are known to be pathogenic (PMID: 15879500).

Literature cited by the submitters: PubMed 15879500.